The following is an entry in ClinVar:

NC_000011.9:g.(?_64572622)_(64586228_?)del

Gene: MEN1 (menin 1; minus strand). Cytogenetic location: 11q13.1.
Variant type: Deletion.
Identifiers: ClinVar variation 3244554 (VCV003244554.1).

ClinVar aggregate classification (germline): Pathogenic (1 of 4 stars; one submission).

Conditions:
Multiple endocrine neoplasia, type 1 (MEN1). Also called: Endocrine adenomatosis multiple; MEN 1; MEA I; MEN I; WERMER SYNDROME. Identifiers: Orphanet 652, MedGen C0025267, MeSH D018761, MONDO:0007540, OMIM 131100.

Submission:

Labcorp Genetics (formerly Invitae), Labcorp
Classification: Pathogenic for Multiple endocrine neoplasia, type 1. Last evaluated: 2019-11-14. Review status: criteria provided, single submitter. Criteria: Invitae Variant Classification Sherloc (09022015). Collection method: clinical testing. Allele origin: unknown.
Comment: For these reasons, this variant has been classified as Pathogenic. Loss-of-function variants in MEN1 are known to be pathogenic (PMID: 12112656, 17853334). This variant has not been reported in the literature in individuals with MEN1-related conditions. This variant is a gross deletion of the genomic region encompassing exons 1-8 and part of exon 9 (c.-8150_1234del) of the MEN1 gene, which includes the initiator codon. This is expected to result in an absent or disrupted protein product.

Literature cited by the submitters: PubMed 12112656; PubMed 17853334.